The following is an entry in ClinVar:

ClinVar aggregate classification (germline): Conflicting classifications of pathogenicity. Review status: criteria provided, conflicting classifications (1 of 4 stars). 2 submissions from 2 submitters: Uncertain significance (1); Likely benign (1). Last evaluated 2025-02-20.

Conditions:
Inborn genetic diseases. Identifiers: MedGen C0950123, MeSH D030342.

Allele frequency attached by ClinVar (database versions not stated): TOPMed 0.00001; ExAC 0.00002; gnomAD exomes 0.00002.
gnomAD v4.1: 33 of 1,614,078 alleles (0.002%); highest among the groups gnomAD compares: Non-Finnish European, 0.0026%; no homozygotes.

Submissions (2):

Ambry Genetics
Classification: Uncertain significance for Inborn genetic diseases. Last evaluated: 2025-02-20. Review status: criteria provided, single submitter. Criteria: Ambry Variant Classification Scheme 2023. Collection method: clinical testing. Allele origin: germline.

CeGaT Center for Human Genetics Tuebingen
Classification: Likely benign. Last evaluated: 2023-11-01. Review status: criteria provided, single submitter. Criteria: CeGaT Center For Human Genetics Tuebingen Variant Classification Criteria Version 2. Collection method: clinical testing. Allele origin: germline. Affected: yes. Observed: 1 variant allele.
Comment: ATXN7: BP4

NM_001377405.1(ATXN7):c.2459G>A (p.Gly820Asp)

Gene: ATXN7 (ataxin 7; plus strand). Cytogenetic location: 3p14.1.
Variant type: single nucleotide variant.
Coding change: c.2459G>A on transcript NM_001377405.1 (MANE Select); coding-DNA position 2459, G replaced by A.
Protein change: p.Gly820Asp; replaces glycine 820 with aspartic acid.
Molecular consequence: missense variant.
Genome position (GRCh38, 1-based): chr3:63,996,281, G>A. VCF-style: chr3-63996281-G-A. GRCh37 (hg19) VCF-style: chr3-63981957-G-A.
Other names: c.2459G>A, p.Gly820Asp (NM_000333.4, NM_001177387.1, NM_001377406.1); c.2024G>A, p.Gly675Asp (NM_001128149.3); short protein forms G675D, G820D.
Identifiers: ClinVar variation 2672942 (VCV002672942.24), dbSNP rs781068016, ClinGen allele CA2478853.